The following is an entry in ClinVar:

ClinVar aggregate classification (germline): Pathogenic. Review status: criteria provided, multiple submitters, no conflicts (2 of 4 stars). 3 submissions from 3 submitters: Pathogenic (3). Last evaluated 2024-06-08.

Conditions:
Hereditary cancer-predisposing syndrome. Also called: Neoplastic Syndromes, Hereditary; Hereditary neoplastic syndrome; Tumor predisposition; Hereditary Cancer Syndrome. Identifiers: Orphanet 140162, MedGen C0027672, MeSH D009386, MONDO:0015356.
Breast-ovarian cancer, familial, susceptibility to, 3. Also called: RAD51C-Related Breast/Ovarian Cancer. Identifiers: Orphanet 145, MedGen C3150659, MONDO:0013253, OMIM 613399.
Fanconi anemia complementation group O. Also called: RAD51C-Related Fanconi Anemia. Identifiers: Orphanet 84, MedGen C3150653, MONDO:0013248, OMIM 613390.

Submissions (3):

Labcorp Genetics (formerly Invitae), Labcorp
Classification: Pathogenic for Fanconi anemia complementation group O. Last evaluated: 2024-06-08. Review status: criteria provided, single submitter. Criteria: Invitae Variant Classification Sherloc (09022015). Collection method: clinical testing. Allele origin: germline.
Comment: This sequence change creates a premature translational stop signal (p.Thr160Glnfs*11) in the RAD51C gene. It is expected to result in an absent or disrupted protein product. Loss-of-function variants in RAD51C are known to be pathogenic (PMID: 20400964, 21990120, 24800917, 29278735). This variant is not present in population databases (gnomAD no frequency). This variant has not been reported in the literature in individuals affected with RAD51C-related conditions. Algorithms developed to predict the effect of sequence changes on RNA splicing suggest that this variant may disrupt the consensus splice site. For these reasons, this variant has been classified as Pathogenic.

Ambry Genetics
Classification: Pathogenic for Hereditary cancer-predisposing syndrome. Last evaluated: 2024-05-21. Review status: criteria provided, single submitter. Criteria: Ambry Variant Classification Scheme 2023. Collection method: clinical testing. Allele origin: germline.
Comment: The c.478delA pathogenic mutation, located in coding exon 3 of the RAD51C gene, results from a deletion of one nucleotide at nucleotide position 478, causing a translational frameshift with a predicted alternate stop codon (p.T160Qfs*11). This variant is considered to be rare based on population cohorts in the Genome Aggregation Database (gnomAD). This alteration is expected to result in loss of function by premature protein truncation or nonsense-mediated mRNA decay. As such, this alteration is interpreted as a disease-causing mutation.

Myriad Genetics, Inc.
Classification: Pathogenic for Breast-ovarian cancer, familial, susceptibility to, 3. Last evaluated: 2024-01-02. Review status: criteria provided, single submitter. Criteria: Myriad Autosomal Dominant, Autosomal Recessive and X-Linked Classification Criteria (2023). Collection method: clinical testing. Allele origin: unknown.
Comment: This variant is considered pathogenic. This variant creates a frameshift predicted to result in premature protein truncation.

Literature cited by the submitters: PubMed 20400964 (cited by Labcorp Genetics (formerly Invitae), Labcorp); PubMed 21990120 (cited by Labcorp Genetics (formerly Invitae), Labcorp); PubMed 24800917 (cited by Labcorp Genetics (formerly Invitae), Labcorp); PubMed 29278735 (cited by Labcorp Genetics (formerly Invitae), Labcorp).

NM_058216.3(RAD51C):c.478del (p.Thr160fs)

Gene: RAD51C (RAD51 paralog C; plus strand). Cytogenetic location: 17q22.
Variant type: Deletion.
Coding change: c.478del on transcript NM_058216.3 (MANE Select); coding-DNA position 478, one base deleted (A; older notation c.478delA).
Protein change: p.Thr160fs; shifts the reading frame from threonine 160.
Molecular consequence: frameshift variant.
Genome position (GRCh38, 1-based): chr17:58,696,766, A deleted. VCF-style (leftmost placement, unchanged base first): chr17-58696765-TA-T. GRCh37 (hg19) VCF-style: chr17-56774126-TA-T.
Other names: short protein forms T160fs.
Identifiers: ClinVar variation 2711512 (VCV002711512.5), dbSNP rs2509282144, ClinGen allele CA2697560120.